The following is an entry in ClinVar:

NM_000059.4(BRCA2):c.1562C>T (p.Ser521Leu)

Gene: BRCA2 (BRCA2 DNA repair associated; plus strand). Cytogenetic location: 13q13.1.
Variant type: single nucleotide variant.
Coding change: c.1562C>T on transcript NM_000059.4 (MANE Select); coding-DNA position 1562, C replaced by T.
Protein change: p.Ser521Leu; replaces serine 521 with leucine.
Molecular consequence: missense variant.
Genome position (GRCh38, 1-based): chr13:32,333,040, C>T. VCF-style: chr13-32333040-C-T. GRCh37 (hg19) VCF-style: chr13-32907177-C-T.
Other names: c.1562C>T, p.Ser521Leu (NM_001406719.1, NM_001406720.1, NM_001406721.1); short protein forms S521L.
Identifiers: ClinVar variation 1775287 (VCV001775287.4), dbSNP rs2137472667, ClinGen allele CA387764707.
Genomic context (GRCh38, chr13:32,333,040, plus strand): 5'-TCAAAAAGTCTATATTCAGAATAAGAGAATCACCTAAAGAGACTTTCAATGCAAGTTTTT[C>T]AGGTCATATGACTGATCCAAACTTTAAAAAAGAAACTGAAGCCTCTGAAAGTGGACTGGA-3'
Protein context (NP_000050.3, residues 511-531): SPKETFNASF[Ser521Leu]GHMTDPNFKK

ClinVar aggregate classification (germline): Conflicting classifications of pathogenicity. Review status: criteria provided, conflicting classifications (1 of 4 stars). 2 submissions from 2 submitters: Uncertain significance (1); Likely benign (1). Last evaluated 2023-03-23.

Conditions:
Hereditary cancer-predisposing syndrome. Also called: Hereditary Cancer Syndrome; Hereditary neoplastic syndrome; Neoplastic Syndromes, Hereditary; Tumor predisposition. Identifiers: Orphanet 140162, MedGen C0027672, MeSH D009386, MONDO:0015356.

Submissions (2):

University of Washington Department of Laboratory Medicine, University of Washington
Classification: Likely benign for Hereditary cancer-predisposing syndrome. Last evaluated: 2023-03-23. Review status: criteria provided, single submitter. Criteria: Dines et al. (Genet Med. 2020). Collection method: curation. Allele origin: germline.
Comment: Missense variant in a coldspot region where missense variants are very unlikely to be pathogenic (PMID:31911673).

BRCA2 exon 10 coldspot. Reclassification based on statistical prior probability.

Ambry Genetics
Classification: Uncertain significance for Hereditary cancer-predisposing syndrome. Last evaluated: 2021-05-25. Review status: criteria provided, single submitter. Criteria: Ambry Variant Classification Scheme 2023. Collection method: clinical testing. Allele origin: germline.
Comment: The p.S521L variant (also known as c.1562C>T), located in coding exon 9 of the BRCA2 gene, results from a C to T substitution at nucleotide position 1562. The serine at codon 521 is replaced by leucine, an amino acid with dissimilar properties. This variant was reported in 0/60,466 breast cancer cases and in 1/53,461 controls (Dorling et al. N Engl J Med. 2021 02;384:428-439). This amino acid position is not well conserved in available vertebrate species. In addition, this alteration is predicted to be tolerated by in silico analysis. Since supporting evidence is limited at this time, the clinical significance of this alteration remains unclear.

Literature cited by the submitters: PubMed 33471991 (cited by Ambry Genetics).